The following is an entry in ClinVar:

ClinVar aggregate classification (germline): Uncertain significance (1 of 4 stars; one submission).

Submission:

GeneDx
Classification: Uncertain significance. Last evaluated: 2026-04-01. Review status: criteria provided, single submitter. Criteria: GeneDx Variant Classification Process June 2021. Collection method: clinical testing. Allele origin: germline.
Comment: Not observed at significant frequency in large population cohorts (gnomAD); In silico analysis supports that this missense variant has a deleterious effect on protein structure/function; Has not been previously published as pathogenic or benign to our knowledge

NM_002480.3(PPP1R12A):c.1571C>T (p.Thr524Ile)

Gene: PPP1R12A (protein phosphatase 1 regulatory subunit 12A; minus strand). Cytogenetic location: 12q21.2.
Variant type: single nucleotide variant.
Coding change: c.1571C>T on transcript NM_002480.3 (MANE Select); coding-DNA position 1571, C replaced by T.
Protein change: p.Thr524Ile; replaces threonine 524 with isoleucine.
Molecular consequence: missense variant.
Genome position (GRCh38, 1-based): chr12:79,807,310, G>A on the plus strand (C>T on the coding strand, the complement: PPP1R12A is on the minus strand). VCF-style: chr12-79807310-G-A. GRCh37 (hg19) VCF-style: chr12-80201090-G-A.
Other names: c.1571C>T, p.Thr524Ile (NM_001143885.2, NM_001244990.2, NM_001244992.1); c.1310C>T, p.Thr437Ile (NM_001143886.2); short protein forms T437I, T524I.
Identifiers: ClinVar variation 5018023 (VCV005018023.1).